The following is an entry in ClinVar:

NM_004408.4(DNM1):c.2293G>C (p.Val765Leu)

Genes: DNM1 (dynamin 1; plus strand), LOC130002698 (ATAC-STARR-seq lymphoblastoid silent region 20332; plus strand). Cytogenetic location: 9q34.11.
Variant type: single nucleotide variant.
Coding change: c.2293G>C on transcript NM_004408.4 (MANE Select); coding-DNA position 2293, G replaced by C.
Protein change: p.Val765Leu; replaces valine 765 with leucine.
Molecular consequence: missense variant.
Genome position (GRCh38, 1-based): chr9:128,250,331, G>C. VCF-style: chr9-128250331-G-C. GRCh37 (hg19) VCF-style: chr9-131012610-G-C.
Other names: c.2293G>C, p.Val765Leu (NM_001005336.3, NM_001288737.2, NM_001288738.2 and 2 more transcripts); short protein forms V765L.
Identifiers: ClinVar variation 5018396 (VCV005018396.1).
Genomic context (GRCh38, chr9:128,250,331, plus strand): 5'-ATCAACACGACCACCGTCAGCACGCCCATGCCCCCGCCCGTGGACGACTCCTGGCTGCAG[G>C]TGCAGAGCGTACCGGCCGGACGCAGGTACCAGGGCCGGCCCCCACGGCCCCAAAGCCCCC-3'
Protein context (NP_004399.2, residues 755-775): PPPVDDSWLQ[Val765Leu]QSVPAGRRSP

ClinVar aggregate classification (germline): Uncertain significance (1 of 4 stars; one submission).

Submission:

GeneDx
Classification: Uncertain significance. Last evaluated: 2026-04-09. Review status: criteria provided, single submitter. Criteria: GeneDx Variant Classification Process June 2021. Collection method: clinical testing. Allele origin: germline.
Comment: Not observed at significant frequency in large population cohorts (gnomAD); In silico analysis suggests that this missense variant does not alter protein structure/function; Has not been previously published as pathogenic or benign to our knowledge